The following is an entry in ClinVar:

NM_030665.4(RAI1):c.719C>T (p.Thr240Ile)

Gene: RAI1 (retinoic acid induced 1; plus strand). Cytogenetic location: 17p11.2.
Variant type: single nucleotide variant.
Coding change: c.719C>T on transcript NM_030665.4 (MANE Select); coding-DNA position 719, C replaced by T.
Protein change: p.Thr240Ile; replaces threonine 240 with isoleucine.
Molecular consequence: missense variant.
Genome position (GRCh38, 1-based): chr17:17,793,667, C>T. VCF-style: chr17-17793667-C-T. GRCh37 (hg19) VCF-style: chr17-17696981-C-T.
Other names: short protein forms T240I.
Identifiers: ClinVar variation 167554 (VCV000167554.37), dbSNP rs142646842, ClinGen allele CA180358.

ClinVar aggregate classification (germline): Conflicting classifications of pathogenicity. Review status: criteria provided, conflicting classifications (1 of 4 stars). 5 submissions from 5 submitters: Uncertain significance (2); Likely benign (3). Last evaluated 2025-11-17.

Conditions:
RAI1-related disorder. Also called: RAI1-related condition.

Allele frequency attached by ClinVar (database versions not stated): gnomAD 0.00004 and 0.00003; ExAC 0.00003; TOPMed 0.00004; ESP Exome Variant Server 0.00008; gnomAD exomes 0.00003.

Submissions (5):

Labcorp Genetics (formerly Invitae), Labcorp
Classification: Likely benign. Last evaluated: 2025-11-17. Review status: criteria provided, single submitter. Criteria: Invitae Variant Classification Sherloc (09022015). Collection method: clinical testing. Allele origin: germline.

PreventionGenetics, part of Exact Sciences
Classification: Uncertain significance for RAI1-related condition. Last evaluated: 2025-07-01. Review status: criteria provided, single submitter. Criteria: ACMG Guidelines, 2015. Collection method: clinical testing. Allele origin: germline.
Comment: The RAI1 c.719C>T variant is predicted to result in the amino acid substitution p.Thr240Ile. To our knowledge, this variant has not been reported in the literature. This variant is reported in 0.0063% of alleles in individuals of European (Non-Finnish) descent in gnomAD. At this time, the clinical significance of this variant is uncertain due to the absence of conclusive functional and genetic evidence.

CeGaT Center for Human Genetics Tuebingen
Classification: Likely benign. Last evaluated: 2022-07-01. Review status: criteria provided, single submitter. Criteria: CeGaT Center For Human Genetics Tuebingen Variant Classification Criteria Version 2. Collection method: clinical testing. Allele origin: germline. Affected: yes. Observed: 1 variant allele.
Comment: RAI1: BS2

Genetic Services Laboratory, University of Chicago
Classification: Uncertain significance. Last evaluated: 2018-02-09. Review status: criteria provided, single submitter. Criteria: ACMG Guidelines, 2015. Collection method: clinical testing. Allele origin: germline. Affected: no.

Eurofins Ntd Llc (ga)
Classification: Likely benign. Last evaluated: 2014-04-24. Review status: criteria provided, single submitter. Criteria: EGL Classification Definitions 2015. Collection method: clinical testing. Allele origin: germline. Observed: 2 variant alleles, 2 heterozygotes.